The following is an entry in ClinVar:

ClinVar aggregate classification (germline): Uncertain significance. Review status: criteria provided, multiple submitters, no conflicts (2 of 4 stars). 3 submissions from 3 submitters: Uncertain significance (3). Last evaluated 2024-10-23.

Conditions:
Brugada syndrome 8 (BRGDA8). Identifiers: Orphanet 130, MedGen C2751083, MONDO:0013148, OMIM 613123.
Cardiovascular phenotype. Identifiers: MedGen CN230736.

Allele frequency attached by ClinVar (database versions not stated): gnomAD exomes 0.00001.
gnomAD v4.1: 4 of 1,614,168 alleles (0.00025%); highest among the groups gnomAD compares: East Asian, 0.0022%; no homozygotes.

Submissions (3):

Labcorp Genetics (formerly Invitae), Labcorp
Classification: Uncertain significance for Brugada syndrome 8. Last evaluated: 2024-10-23. Review status: criteria provided, single submitter. Criteria: Invitae Variant Classification Sherloc (09022015). Collection method: clinical testing. Allele origin: germline.
Comment: This sequence change replaces aspartic acid, which is acidic and polar, with asparagine, which is neutral and polar, at codon 448 of the HCN4 protein (p.Asp448Asn). This variant is present in population databases (no rsID available, gnomAD 0.0009%). This variant has not been reported in the literature in individuals affected with HCN4-related conditions. ClinVar contains an entry for this variant (Variation ID: 1770395). Invitae Evidence Modeling of protein sequence and biophysical properties (such as structural, functional, and spatial information, amino acid conservation, physicochemical variation, residue mobility, and thermodynamic stability) indicates that this missense variant is not expected to disrupt HCN4 protein function with a negative predictive value of 95%. In summary, the available evidence is currently insufficient to determine the role of this variant in disease. Therefore, it has been classified as a Variant of Uncertain Significance.

GeneDx
Classification: Uncertain significance. Last evaluated: 2023-07-19. Review status: criteria provided, single submitter. Criteria: GeneDx Variant Classification Process June 2021. Collection method: clinical testing. Allele origin: germline. Affected: yes.
Comment: Not observed at significant frequency in large population cohorts (gnomAD); In silico analysis supports that this missense variant does not alter protein structure/function; Has not been previously published as pathogenic or benign to our knowledge

Ambry Genetics
Classification: Uncertain significance for Cardiovascular phenotype. Last evaluated: 2022-03-03. Review status: criteria provided, single submitter. Criteria: Ambry Variant Classification Scheme 2023. Collection method: clinical testing. Allele origin: germline.
Comment: The p.D448N variant (also known as c.1342G>A), located in coding exon 3 of the HCN4 gene, results from a G to A substitution at nucleotide position 1342. The aspartic acid at codon 448 is replaced by asparagine, an amino acid with highly similar properties. This amino acid position is conserved. In addition, this alteration is predicted to be tolerated by in silico analysis. Since supporting evidence is limited at this time, the clinical significance of this alteration remains unclear.

NM_005477.3(HCN4):c.1342G>A (p.Asp448Asn)

Gene: HCN4 (hyperpolarization activated cyclic nucleotide gated potassium channel 4; minus strand). Cytogenetic location: 15q24.1.
Variant type: single nucleotide variant.
Coding change: c.1342G>A on transcript NM_005477.3 (MANE Select); coding-DNA position 1342, G replaced by A.
Protein change: p.Asp448Asn; replaces aspartic acid 448 with asparagine.
Molecular consequence: missense variant.
Genome position (GRCh38, 1-based): chr15:73,332,160, C>T on the plus strand (G>A on the coding strand, the complement: HCN4 is on the minus strand). VCF-style: chr15-73332160-C-T. GRCh37 (hg19) VCF-style: chr15-73624501-C-T.
Other names: short protein forms D448N.
Identifiers: ClinVar variation 1770395 (VCV001770395.6), dbSNP rs1229232018, ClinGen allele CA393094300.
Genomic context (GRCh38, chr15:73,332,160, plus strand): 5'-CCAGAGAGAGGACCGGGCTGGGCGCACTCACCACCATGTTGTTGATGGACACCCAGCAGT[C>T]GTCAGGGAAGTCCTGTAGCATGGGTACCAGGAACTGCAGGCAGCCGTCCCAGTGGCAGAG-3'
Protein context (NP_005468.1, residues 438-458): LVPMLQDFPD[Asp448Asn]CWVSINNMVN